The following is an entry in ClinVar:

NM_058195.4(CDKN2A):c.69C>T (p.Phe23=)

Gene: CDKN2A (cyclin dependent kinase inhibitor 2A; minus strand). Cytogenetic location: 9p21.3.
Variant type: single nucleotide variant.
Coding change: c.69C>T on transcript NM_058195.4 (MANE Plus Clinical); coding-DNA position 69, C replaced by T.
Protein change: p.Phe23=; no amino-acid change (phenylalanine 23 retained).
Molecular consequence: synonymous variant. On other transcripts: intron variant (1).
Genome position (GRCh38, 1-based): chr9:21,994,263, G>A on the plus strand (C>T on the coding strand, the complement: CDKN2A is on the minus strand). VCF-style: chr9-21994263-G-A. GRCh37 (hg19) VCF-style: chr9-21994262-G-A.
Other names: p.F23F:TTC>TTT; c.-4+558C>T (NM_001363763.2).
Identifiers: ClinVar variation 136717 (VCV000136717.56), dbSNP rs374360796, ClinGen allele CA290031.
Genomic context (GRCh38, chr9:21,994,263, plus strand): 5'-CACAGCGGCGGGCGCCCCTGGCGCTGCCCACTCCCCCGTGAGCCGCGGGATGTGAACCAC[G>A]AAAACCCTCACTCGCGGCGGGCCGCACGCGCGCCGAATCCGGAGGGTCACCAAGAACCTG-3'
Protein context (NP_478102.2, residues 13-33): RACGPPRVRV[Phe23=]VVHIPRLTGE

ClinVar aggregate classification (germline): Benign/Likely benign. Review status: criteria provided, multiple submitters, no conflicts (2 of 4 stars). 13 submissions from 13 submitters: Benign (3); Likely benign (9). 1 of the submissions does not count toward it. Last evaluated 2025-09-01.

Conditions:
Hereditary cancer-predisposing syndrome. Also called: Neoplastic Syndromes, Hereditary; Hereditary Cancer Syndrome; Tumor predisposition; Hereditary neoplastic syndrome. Identifiers: Orphanet 140162, MedGen C0027672, MeSH D009386, MONDO:0015356.
Familial melanoma. Also called: Hereditary melanoma; Hereditary cutaneous melanoma. Identifiers: Orphanet 618, MedGen C1512419, MONDO:0018961.
Melanoma-pancreatic cancer syndrome. Identifiers: Orphanet 404560, MedGen C1838547, MONDO:0011713, OMIM 606719. Disease mechanism: loss of function.

Allele frequency attached by ClinVar (database versions not stated): gnomAD 0.00023 and 0.00024; ESP Exome Variant Server 0.00016; TOPMed 0.00017.
gnomAD v4.1: 326 of 1,605,684 alleles (0.02%); highest among the groups gnomAD compares: Non-Finnish European, 0.025%; no homozygotes.

Submissions (13):

CeGaT Center for Human Genetics Tuebingen
Classification: Likely benign. Last evaluated: 2025-09-01. Review status: criteria provided, single submitter. Criteria: CeGaT Center For Human Genetics Tuebingen Variant Classification Criteria Version 2. Collection method: clinical testing. Allele origin: germline. Affected: yes. Observed: 5 variant alleles.
Comment: CDKN2A: BP4, BP7

Center for Genomic Medicine, Rigshospitalet, Copenhagen University Hospital
Classification: Likely benign. Last evaluated: 2025-03-04. Review status: criteria provided, single submitter. Criteria: ACMG Guidelines, 2015. Collection method: clinical testing. Allele origin: germline.

Laboratory of Genetics, Children's Clinical University Hospital Latvia
Classification: Likely benign. Last evaluated: 2025-02-16. Review status: criteria provided, single submitter. Criteria: ACMG Guidelines, 2015. Collection method: clinical testing. Allele origin: germline. Affected: yes.

Blueprint Genetics
Classification: Likely benign. Last evaluated: 2024-11-13. Review status: criteria provided, single submitter. Criteria: ACMG Guidelines, 2015. Collection method: clinical testing. Allele origin: germline.

Quest Diagnostics Nichols Institute San Juan Capistrano
Classification: Benign. Last evaluated: 2023-07-03. Review status: criteria provided, single submitter. Criteria: Quest Diagnostics criteria. Collection method: clinical testing. Allele origin: unknown.

Myriad Genetics, Inc.
Classification: Benign for Melanoma-pancreatic cancer syndrome. Last evaluated: 2023-04-21. Review status: criteria provided, single submitter. Criteria: Myriad Autosomal Dominant, Autosomal Recessive and X-Linked Classification Criteria (2023). Collection method: clinical testing. Allele origin: unknown.
Comment: This variant is considered benign. This variant is a silent/synonymous amino acid change and it is not expected to impact splicing.

Labcorp Genetics (formerly Invitae), Labcorp
Classification: Likely benign for Familial melanoma. Last evaluated: 2021-12-16. Review status: criteria provided, single submitter. Criteria: Invitae Variant Classification Sherloc (09022015). Collection method: clinical testing. Allele origin: germline.

Sema4
Classification: Likely benign for Hereditary cancer-predisposing syndrome. Last evaluated: 2021-10-07. Review status: criteria provided, single submitter. Criteria: Sema4 Curation Guidelines. Collection method: curation. Allele origin: germline.

PreventionGenetics, part of Exact Sciences
Classification: Likely benign. Last evaluated: 2017-11-22. Review status: criteria provided, single submitter. Criteria: ACMG Guidelines, 2015. Collection method: clinical testing. Allele origin: germline.

Color Diagnostics, LLC DBA Color Health
Classification: Likely benign for Hereditary cancer-predisposing syndrome. Last evaluated: 2016-04-22. Review status: criteria provided, single submitter. Criteria: ACMG Guidelines, 2015. Collection method: clinical testing. Allele origin: germline.

Ambry Genetics
Classification: Likely benign for Hereditary cancer-predisposing syndrome. Last evaluated: 2015-01-23. Review status: criteria provided, single submitter. Criteria: Ambry Variant Classification Scheme 2023. Collection method: clinical testing. Allele origin: germline.

GeneDx
Classification: Benign. Last evaluated: 2014-03-14. Review status: criteria provided, single submitter. Criteria: GeneDx Variant Classification (06012015). Collection method: clinical testing. Allele origin: germline. Affected: yes.
Comment: This variant is considered likely benign or benign based on one or more of the following criteria: it is a conservative change, it occurs at a poorly conserved position in the protein, it is predicted to be benign by multiple in silico algorithms, and/or has population frequency not consistent with disease.

Counsyl
Classification: Likely benign for Melanoma-pancreatic cancer syndrome. Last evaluated: 2016-08-01. Review status: no assertion criteria provided. Collection method: clinical testing. Allele origin: unknown. Not counted in ClinVar's aggregate classification.

Literature cited by the submitters: PubMed 18803811 (cited by Quest Diagnostics Nichols Institute San Juan Capistrano); PubMed 36969747 (cited by Quest Diagnostics Nichols Institute San Juan Capistrano); PubMed 26225579 (cited by Quest Diagnostics Nichols Institute San Juan Capistrano).